The following is an entry in ClinVar:

NM_006005.3(WFS1):c.417C>G (p.Arg139=)

Gene: WFS1 (wolframin ER transmembrane glycoprotein; plus strand). Cytogenetic location: 4p16.1.
Variant type: single nucleotide variant.
Coding change: c.417C>G on transcript NM_006005.3 (MANE Select); coding-DNA position 417, C replaced by G.
Protein change: p.Arg139=; no amino-acid change (arginine 139 retained).
Molecular consequence: synonymous variant.
Genome position (GRCh38, 1-based): chr4:6,289,088, C>G. VCF-style: chr4-6289088-C-G. GRCh37 (hg19) VCF-style: chr4-6290815-C-G.
Other names: c.417C>G, p.Arg139= (NM_001145853.1).
Identifiers: ClinVar variation 767323 (VCV000767323.13), dbSNP rs377209139, ClinGen allele CA2838889.

ClinVar aggregate classification (germline): Likely benign. Review status: criteria provided, multiple submitters, no conflicts (2 of 4 stars). 5 submissions from 5 submitters: Likely benign (2). 3 of the submissions do not count toward it. Last evaluated 2025-11-09.

Conditions:
WFS1-related disorder. Identifiers: MedGen CN379391, MONDO:0700293.

Allele frequency attached by ClinVar (database versions not stated): TOPMed 0.00001; gnomAD 0.00002 and 0.00003.
gnomAD v4.1: 49 of 1,585,520 alleles (0.0031%); highest among the groups gnomAD compares: East Asian, 0.016%; no homozygotes.

Submissions (5):

Labcorp Genetics (formerly Invitae), Labcorp
Classification: Likely benign. Last evaluated: 2025-11-09. Review status: criteria provided, single submitter. Criteria: Invitae Variant Classification Sherloc (09022015). Collection method: clinical testing. Allele origin: germline.

Blueprint Genetics
Classification: Likely benign. Last evaluated: 2024-10-14. Review status: criteria provided, single submitter. Criteria: ACMG Guidelines, 2015. Collection method: clinical testing. Allele origin: germline.

PreventionGenetics, part of Exact Sciences
Classification: Likely benign for WFS1-related condition. Last evaluated: 2019-10-28. Review status: no assertion criteria provided. Collection method: clinical testing. Allele origin: germline. Not counted in ClinVar's aggregate classification.
Comment: This variant is classified as likely benign based on ACMG/AMP sequence variant interpretation guidelines (Richards et al. 2015 PMID: 25741868, with internal and published modifications).

Clinical Genetics DNA and cytogenetics Diagnostics Lab, Erasmus MC, Erasmus Medical Center
Classification: Likely benign. Review status: no assertion criteria provided. Collection method: clinical testing. Allele origin: germline. Affected: yes. Study: VKGL Data-share Consensus. Not counted in ClinVar's aggregate classification.

Laboratory of Diagnostic Genome Analysis, Leiden University Medical Center (LUMC)
Classification: Likely benign. Review status: no assertion criteria provided. Collection method: clinical testing. Allele origin: germline. Affected: yes. Study: VKGL Data-share Consensus. Not counted in ClinVar's aggregate classification.